The following is an entry in ClinVar:

NM_006231.4(POLE):c.6063G>A (p.Gly2021=)

Gene: POLE (DNA polymerase epsilon, catalytic subunit; minus strand). Cytogenetic location: 12q24.33.
Variant type: single nucleotide variant.
Coding change: c.6063G>A on transcript NM_006231.4 (MANE Select); coding-DNA position 6063, G replaced by A.
Protein change: p.Gly2021=; no amino-acid change (glycine 2021 retained).
Molecular consequence: synonymous variant.
Genome position (GRCh38, 1-based): chr12:132,632,737, C>T on the plus strand (G>A on the coding strand, the complement: POLE is on the minus strand). VCF-style: chr12-132632737-C-T. GRCh37 (hg19) VCF-style: chr12-133209323-C-T.
Identifiers: ClinVar variation 540866 (VCV000540866.20), dbSNP rs1255778142, ClinGen allele CA482848470.

ClinVar aggregate classification (germline): Likely benign. Review status: criteria provided, multiple submitters, no conflicts (2 of 4 stars). 3 submissions from 3 submitters: Likely benign (3). Last evaluated 2026-06-01.

Conditions:
Hereditary cancer-predisposing syndrome. Also called: Hereditary Cancer Syndrome; Tumor predisposition; Neoplastic Syndromes, Hereditary; Hereditary neoplastic syndrome. Identifiers: Orphanet 140162, MedGen C0027672, MeSH D009386, MONDO:0015356.

Allele frequency attached by ClinVar (database versions not stated): gnomAD 0.00001; gnomAD exomes 0.00001; TOPMed 0.00001.
gnomAD v4.1: 7 of 1,613,366 alleles (0.00043%); highest among the groups gnomAD compares: Non-Finnish European, 0.00059%; no homozygotes.

Submissions (3):

CeGaT Center for Human Genetics Tuebingen
Classification: Likely benign. Last evaluated: 2026-06-01. Review status: criteria provided, single submitter. Criteria: CeGaT Center For Human Genetics Tuebingen Variant Classification Criteria Version 2. Collection method: clinical testing. Allele origin: germline. Affected: yes. Observed: 2 variant alleles.
Comment: POLE: BP4, BP7

Labcorp Genetics (formerly Invitae), Labcorp
Classification: Likely benign. Last evaluated: 2025-11-11. Review status: criteria provided, single submitter. Criteria: Invitae Variant Classification Sherloc (09022015). Collection method: clinical testing. Allele origin: germline.

Ambry Genetics
Classification: Likely benign for Hereditary cancer-predisposing syndrome. Last evaluated: 2015-07-21. Review status: criteria provided, single submitter. Criteria: Ambry Variant Classification Scheme 2023. Collection method: clinical testing. Allele origin: germline.